The following is an entry in ClinVar:

NM_004525.3(LRP2):c.6267G>A (p.Pro2089=)

Gene: LRP2 (LDL receptor related protein 2; minus strand). Cytogenetic location: 2q31.1.
Variant type: single nucleotide variant.
Coding change: c.6267G>A on transcript NM_004525.3 (MANE Select); coding-DNA position 6267, G replaced by A.
Protein change: p.Pro2089=; no amino-acid change (proline 2089 retained).
Molecular consequence: synonymous variant.
Genome position (GRCh38, 1-based): chr2:169,211,981, C>T on the plus strand (G>A on the coding strand, the complement: LRP2 is on the minus strand). VCF-style: chr2-169211981-C-T. GRCh37 (hg19) VCF-style: chr2-170068491-C-T.
Identifiers: ClinVar variation 332148 (VCV000332148.19), dbSNP rs2228169, ClinGen allele CA1954336.

ClinVar aggregate classification (germline): Benign/Likely benign. Review status: criteria provided, multiple submitters, no conflicts (2 of 4 stars). 5 submissions from 5 submitters: Benign (4); Likely benign (1). Last evaluated 2026-02-04.

Conditions:
Donnai-Barrow syndrome. Also called: DBS/FOAR SYNDROME; FACIOOCULOACOUSTICORENAL SYNDROME. Identifiers: Orphanet 2143, MedGen C1857277, MONDO:0009104, OMIM 222448.

Allele frequency attached by ClinVar (database versions not stated): gnomAD exomes 0.00126; ESP Exome Variant Server 0.01284; TOPMed 0.01454; 1000 Genomes Project 0.01937; 1000 Genomes Project 30x 0.02014.
gnomAD v4.1: 3,920 of 1,613,880 alleles (0.24%); highest among the groups gnomAD compares: African/African-American, 4.5%; 73 homozygotes.

Submissions (5):

Labcorp Genetics (formerly Invitae), Labcorp
Classification: Benign. Last evaluated: 2026-02-04. Review status: criteria provided, single submitter. Criteria: Invitae Variant Classification Sherloc (09022015). Collection method: clinical testing. Allele origin: germline.

Fulgent Genetics
Classification: Likely benign for Donnai-Barrow syndrome. Last evaluated: 2021-10-08. Review status: criteria provided, single submitter. Criteria: ACMG Guidelines, 2015. Collection method: clinical testing. Allele origin: unknown.

Genome-Nilou Lab
Classification: Benign for Donnai-Barrow syndrome. Last evaluated: 2021-07-15. Review status: criteria provided, single submitter. Criteria: ACMG Guidelines, 2015. Collection method: clinical testing. Allele origin: germline. Affected: no.

Illumina Laboratory Services, Illumina
Classification: Benign for Donnai-Barrow syndrome. Last evaluated: 2018-01-12. Review status: criteria provided, single submitter. Criteria: ICSL Variant Classification Criteria 13 December 2019. Collection method: clinical testing. Allele origin: germline.
Comment: This variant was observed in the ICSL laboratory as part of a predisposition screen in an ostensibly healthy population. It had not been previously curated by ICSL or reported in the Human Gene Mutation Database (HGMD: prior to June 1st, 2018), and was therefore a candidate for classification through an automated scoring system. Utilizing variant allele frequency, disease prevalence and penetrance estimates, and inheritance mode, an automated score was calculated to assess if this variant is too frequent to cause the disease. Based on the score and internal cut-off values, a variant classified as benign is not then subjected to further curation. The score for this variant resulted in a classification of benign for this disease.

Breakthrough Genomics
Classification: Benign. Review status: criteria provided, single submitter. Criteria: ACMG Guidelines, 2015. Collection method: not provided. Allele origin: germline. Inheritance: Autosomal recessive inheritance. Affected: yes.